The following is an entry in ClinVar:

NM_000117.3(EMD):c.640_644dup (p.Gln219fs)

Gene: EMD (emerin; plus strand). Cytogenetic location: Xq28.
Variant type: Duplication.
Coding change: c.640_644dup on transcript NM_000117.3 (MANE Select); coding-DNA positions 640 to 644, 5 bases duplicated (GGGGC; older notation c.640_644dupGGGGC).
Protein change: p.Gln219fs; shifts the reading frame from glutamine 219.
Molecular consequence: frameshift variant.
Genome position (GRCh38, 1-based): chrX:154,381,072-154,381,076, GGGGC duplicated. VCF-style (leftmost placement, unchanged base first): chrX-154381071-T-TGGGGC. GRCh37 (hg19) VCF-style: chrX-153609431-T-TGGGGC.
Other names: c.640_644dupGGGGC (NM_000117.2); short protein forms Q219fs.
Identifiers: ClinVar variation 433173 (VCV000433173.11), dbSNP rs1557182676, ClinGen allele CA645373325.

ClinVar aggregate classification (germline): Pathogenic/Likely pathogenic. Review status: criteria provided, multiple submitters, no conflicts (2 of 4 stars). 2 submissions from 2 submitters: Pathogenic (1); Likely pathogenic (1). Last evaluated 2020-02-26.

Conditions:
X-linked Emery-Dreifuss muscular dystrophy. Also called: Muscular dystrophy, tardive Emery-Dreifuss type, with contractures. Identifiers: Orphanet 261, Orphanet 98863, MedGen C0751337, MONDO:0010680.

Submissions (2):

Labcorp Genetics (formerly Invitae), Labcorp
Classification: Pathogenic for X-linked Emery-Dreifuss muscular dystrophy. Last evaluated: 2020-02-26. Review status: criteria provided, single submitter. Criteria: Invitae Variant Classification Sherloc (09022015). Collection method: clinical testing. Allele origin: germline.
Comment: This sequence change results in a premature translational stop signal in the EMD gene (p.Gln219Trpfs*20). While this is not anticipated to result in nonsense mediated decay, it is expected to disrupt the last 36 amino acids of the EMD protein. This variant is not present in population databases (ExAC no frequency). This frameshift change has been observed in individual(s) with Emery-Dreifuss muscular dystrophy (PMID: 8595406). ClinVar contains an entry for this variant (Variation ID: 433173). This variant disrupts the C-terminus of the EMD protein. Other variant(s) that disrupt this region (p.Trp226*) have been determined to be pathogenic (PMID: 8589715, 15967842). This suggests that variants that disrupt this region of the protein are likely to be causative of disease. For these reasons, this variant has been classified as Pathogenic.

Molecular Diagnostics Lab, Nemours Children's Health, Delaware
Classification: Likely pathogenic. Last evaluated: 2016-07-25. Review status: criteria provided, single submitter. Criteria: ACMG Guidelines, 2015. Collection method: clinical testing. Allele origin: unknown. Affected: yes. Observed: 1 heterozygote.

Literature cited by the submitters: PubMed 8595406 (cited by Labcorp Genetics (formerly Invitae), Labcorp); PubMed 8589715 (cited by Labcorp Genetics (formerly Invitae), Labcorp); PubMed 15967842 (cited by Labcorp Genetics (formerly Invitae), Labcorp).